The following is an entry in ClinVar:

ClinVar aggregate classification (germline): Likely benign. Review status: criteria provided, multiple submitters, no conflicts (2 of 4 stars). 3 submissions from 3 submitters: Likely benign (3). Last evaluated 2026-01-19.

Conditions:
Loeys-Dietz syndrome 2 (LDS2). Also called: TGFBR2-Related Loeys-Dietz Syndrome; Marfan syndrome, type 2 (formerly); MFS 2; AORTIC ANEURYSM, FAMILIAL THORACIC 3; MARFAN SYNDROME, TYPE II; Marfan Syndrome type 2. Identifiers: Orphanet 284973, Orphanet 558, MedGen C2674574, MONDO:0012427, OMIM 610168.
Familial thoracic aortic aneurysm and aortic dissection (TAAD). Also called: Thoracic aortic aneurysms and dissections. Identifiers: Orphanet 91387, MedGen C4707243, MONDO:0019625.

Allele frequency attached by ClinVar (database versions not stated): gnomAD exomes 0.00001.
gnomAD v4.1: 12 of 1,613,974 alleles (0.00074%); highest among the groups gnomAD compares: Non-Finnish European, 0.001%; no homozygotes.

Submissions (3):

Labcorp Genetics (formerly Invitae), Labcorp
Classification: Likely benign for Familial thoracic aortic aneurysm and aortic dissection. Last evaluated: 2026-01-19. Review status: criteria provided, single submitter. Criteria: Invitae Variant Classification Sherloc (09022015). Collection method: clinical testing. Allele origin: germline.

All of Us Research Program, National Institutes of Health
Classification: Likely benign for Loeys-Dietz syndrome 2. Last evaluated: 2023-04-03. Review status: criteria provided, single submitter. Criteria: ACMG Guidelines, 2015. Collection method: clinical testing. Allele origin: germline. Inheritance: Autosomal dominant inheritance. Observed: 2 variant alleles, 2 heterozygotes.
Comment: This study involves interpretation of variants in research participants for the purpose of population health screening. Participant phenotype was not available at the time of variant classification. Additional details can be found in publication PMID: 35346344, PMCID: PMC8962531

Color Diagnostics, LLC DBA Color Health
Classification: Likely benign for Familial thoracic aortic aneurysm and aortic dissection. Last evaluated: 2019-07-09. Review status: criteria provided, single submitter. Criteria: ACMG Guidelines, 2015. Collection method: clinical testing. Allele origin: germline.

NM_003242.6(TGFBR2):c.1542T>C (p.Cys514=)

Gene: TGFBR2 (transforming growth factor beta receptor 2; plus strand). Cytogenetic location: 3p24.1.
Variant type: single nucleotide variant.
Coding change: c.1542T>C on transcript NM_003242.6 (MANE Select); coding-DNA position 1542, T replaced by C.
Protein change: p.Cys514=; no amino-acid change (cysteine 514 retained).
Molecular consequence: synonymous variant.
Genome position (GRCh38, 1-based): chr3:30,691,437, T>C. VCF-style: chr3-30691437-T-C. GRCh37 (hg19) VCF-style: chr3-30732929-T-C.
Other names: c.1617T>C, p.Cys539= (NM_001024847.3); c.1725T>C, p.Cys575= (NM_001407126.1); c.1650T>C, p.Cys550= (NM_001407127.1); c.1569T>C, p.Cys523= (NM_001407128.1); c.1545T>C, p.Cys515= (NM_001407129.1); c.1539T>C, p.Cys513= (NM_001407130.1); c.1437T>C, p.Cys479= (NM_001407132.1, NM_001407133.1, NM_001407134.1 and 2 more transcripts); c.1257T>C, p.Cys419= (NM_001407137.1); and 2 more.
Identifiers: ClinVar variation 757469 (VCV000757469.11), dbSNP rs1575166645, ClinGen allele CA432917967.